The following is an entry in ClinVar:

NM_133459.4(CCBE1):c.541C>T (p.Pro181Ser)

Gene: CCBE1 (collagen and calcium binding EGF domains 1; minus strand). Cytogenetic location: 18q21.32.
Variant type: single nucleotide variant.
Coding change: c.541C>T on transcript NM_133459.4 (MANE Select); coding-DNA position 541, C replaced by T.
Protein change: p.Pro181Ser; replaces proline 181 with serine.
Molecular consequence: missense variant.
Genome position (GRCh38, 1-based): chr18:59,466,751, G>A on the plus strand (C>T on the coding strand, the complement: CCBE1 is on the minus strand). VCF-style: chr18-59466751-G-A. GRCh37 (hg19) VCF-style: chr18-57133983-G-A.
Other names: c.541C>T, p.Pro181Ser (LRG_1209t1); short protein forms P181S.
Identifiers: ClinVar variation 327706 (VCV000327706.13), dbSNP rs116596858, ClinGen allele CA8980466.

ClinVar aggregate classification (germline): Benign/Likely benign. Review status: criteria provided, multiple submitters, no conflicts (2 of 4 stars). 3 submissions from 3 submitters: Benign (1); Likely benign (1). 1 of the submissions does not count toward it. Last evaluated 2025-12-24.

Conditions:
Hennekam lymphangiectasia-lymphedema syndrome 1 (HKLLS1). Also called: LYMPHATIC DYSPLASIA, GENERALIZED. Identifiers: Orphanet 2136, MedGen C4012050, MONDO:0009337, OMIM 235510.
CCBE1-related disorder. Also called: CCBE1-related condition.

Allele frequency attached by ClinVar (database versions not stated): gnomAD 0.00001 and 0.00011; TOPMed 0.00003; gnomAD exomes 0.00024 and 0.00026; ExAC 0.00038; 1000 Genomes Project 30x 0.00047; 1000 Genomes Project 0.00060.
gnomAD v4.1: 349 of 1,612,792 alleles (0.022%); highest among the groups gnomAD compares: East Asian, 0.77%; 5 homozygotes.

Submissions (3):

Labcorp Genetics (formerly Invitae), Labcorp
Classification: Benign. Last evaluated: 2025-12-24. Review status: criteria provided, single submitter. Criteria: Invitae Variant Classification Sherloc (09022015). Collection method: clinical testing. Allele origin: germline.

Illumina Laboratory Services, Illumina
Classification: Likely benign for Hennekam lymphangiectasia-lymphedema syndrome 1. Last evaluated: 2018-01-13. Review status: criteria provided, single submitter. Criteria: ICSL Variant Classification Criteria 13 December 2019. Collection method: clinical testing. Allele origin: germline.
Comment: This variant was observed in the ICSL laboratory as part of a predisposition screen in an ostensibly healthy population. It had not been previously curated by ICSL or reported in the Human Gene Mutation Database (HGMD: prior to June 1st, 2018), and was therefore a candidate for classification through an automated scoring system. Utilizing variant allele frequency, disease prevalence and penetrance estimates, and inheritance mode, an automated score was calculated to assess if this variant is too frequent to cause the disease. Based on the score and internal cut-off values, a variant classified as likely benign is not then subjected to further curation. The score for this variant resulted in a classification of likely benign for this disease.

PreventionGenetics, part of Exact Sciences
Classification: Likely benign for CCBE1-related condition. Last evaluated: 2024-04-08. Review status: no assertion criteria provided. Collection method: clinical testing. Allele origin: germline. Not counted in ClinVar's aggregate classification.
Comment: This variant is classified as likely benign based on ACMG/AMP sequence variant interpretation guidelines (Richards et al. 2015 PMID: 25741868, with internal and published modifications).